The following is an entry in ClinVar:

ClinVar aggregate classification (germline): Uncertain significance. Review status: criteria provided, multiple submitters, no conflicts (2 of 4 stars). 7 submissions from 7 submitters: Uncertain significance (7). Last evaluated 2025-12-01.

Conditions:
Inborn genetic diseases. Identifiers: MedGen C0950123, MeSH D030342.
Developmental and epileptic encephalopathy, 1 (DEE1). Also called: INFANTILE SPASM SYNDROME, X-LINKED 1; X-linked infantile spasms; West's syndrome; Tonic spasms with clustering, arrest of psychomotor development and hypsarrhythmia on EEG; X-Linked Infantile Spasm Syndrome; Epileptic encephalopathy, early infantile, 1. Identifiers: MedGen C3463992, MONDO:0010632, OMIM 308350. Disease mechanism: loss of function.
Autosomal dominant nonsyndromic hearing loss 65. Also called: Deafness, autosomal dominant 65; TBC1D24-Related Autosomal Dominant Nonsyndromic Hearing Loss (DFNA). Identifiers: Orphanet 90635, MedGen C3892048, MONDO:0014470, OMIM 616044.

Allele frequency attached by ClinVar (database versions not stated): ExAC 0.00007; 1000 Genomes Project 30x 0.00016; 1000 Genomes Project 0.00020; gnomAD exomes 0.00001 and 0.00004; gnomAD 0.00002; TOPMed 0.00002.
gnomAD v4.1: 25 of 1,611,856 alleles (0.0016%); highest among the groups gnomAD compares: East Asian, 0.036%; no homozygotes.

Submissions (7):

CeGaT Center for Human Genetics Tuebingen
Classification: Uncertain significance. Last evaluated: 2025-12-01. Review status: criteria provided, single submitter. Criteria: CeGaT Center For Human Genetics Tuebingen Variant Classification Criteria Version 2. Collection method: clinical testing. Allele origin: germline. Affected: yes. Observed: 1 variant allele.
Comment: TBC1D24: PM2

Ambry Genetics
Classification: Uncertain significance for Inborn genetic diseases. Last evaluated: 2025-11-13. Review status: criteria provided, single submitter. Criteria: Ambry Variant Classification Scheme 2023. Collection method: clinical testing. Allele origin: germline.

GeneDx
Classification: Uncertain significance. Last evaluated: 2025-09-18. Review status: criteria provided, single submitter. Criteria: GeneDx Variant Classification Process June 2021. Collection method: clinical testing. Allele origin: germline. Affected: yes.
Comment: In silico analysis suggests that this missense variant does not alter protein structure/function; Has not been previously published as pathogenic or benign to our knowledge

Blueprint Genetics
Classification: Uncertain significance. Last evaluated: 2024-11-19. Review status: criteria provided, single submitter. Criteria: ACMG Guidelines, 2015. Collection method: clinical testing. Allele origin: germline.

Labcorp Genetics (formerly Invitae), Labcorp
Classification: Uncertain significance for Developmental and epileptic encephalopathy, 1; Autosomal dominant nonsyndromic hearing loss 65. Last evaluated: 2023-12-08. Review status: criteria provided, single submitter. Criteria: Invitae Variant Classification Sherloc (09022015). Collection method: clinical testing. Allele origin: germline.
Comment: This sequence change replaces glutamic acid, which is acidic and polar, with alanine, which is neutral and non-polar, at codon 343 of the TBC1D24 protein (p.Glu343Ala). This variant is present in population databases (rs188124777, gnomAD 0.04%). This variant has not been reported in the literature in individuals affected with TBC1D24-related conditions. ClinVar contains an entry for this variant (Variation ID: 207511). Advanced modeling of protein sequence and biophysical properties (such as structural, functional, and spatial information, amino acid conservation, physicochemical variation, residue mobility, and thermodynamic stability) performed at Invitae indicates that this missense variant is not expected to disrupt TBC1D24 protein function with a negative predictive value of 80%. In summary, the available evidence is currently insufficient to determine the role of this variant in disease. Therefore, it has been classified as a Variant of Uncertain Significance.

Laboratory for Molecular Medicine, Mass General Brigham Personalized Medicine
Classification: Uncertain significance. Last evaluated: 2016-10-06. Review status: criteria provided, single submitter. Criteria: LMM Criteria. Collection method: clinical testing. Allele origin: germline. Observed: 1 variant allele.
Comment: The p.Glu343Ala variant in TBC1D24 has not been previously reported in individua ls with hearing loss, but has been identified in 6/7238 East Asian chromosomes b y the Exome Aggregation Consortium (ExAC; dbSNP rs188124777). However, this frequency is not high enough to rule out a pathogen ic role. Computational prediction tools and conservation analysis suggest that t he p.Glue343Ala variant may not impact the protein, though this information is n ot predictive enough to rule out pathogenicity. In summary, the clinical signifi cance of the p.Glu343Ala variant is uncertain.

Eurofins Ntd Llc (ga)
Classification: Uncertain significance. Last evaluated: 2016-06-03. Review status: criteria provided, single submitter. Criteria: EGL Classification Definitions 2015. Collection method: clinical testing. Allele origin: germline. Observed: 2 variant alleles, 2 heterozygotes.

NM_001199107.2(TBC1D24):c.1028A>C (p.Glu343Ala)

Gene: TBC1D24 (TBC1 domain family member 24; plus strand). Cytogenetic location: 16p13.3.
Variant type: single nucleotide variant.
Coding change: c.1028A>C on transcript NM_001199107.2 (MANE Select); coding-DNA position 1028, A replaced by C.
Protein change: p.Glu343Ala; replaces glutamic acid 343 with alanine.
Molecular consequence: missense variant.
Genome position (GRCh38, 1-based): chr16:2,498,282, A>C. VCF-style: chr16-2498282-A-C. GRCh37 (hg19) VCF-style: chr16-2548283-A-C.
Other names: p.E337A:GAG>GCG; c.1010A>C, p.Glu337Ala (NM_020705.3); short protein forms E337A, E343A.
Identifiers: ClinVar variation 207511 (VCV000207511.27), dbSNP rs188124777, ClinGen allele CA319056.
Genomic context (GRCh38, chr16:2,498,282, plus strand): 5'-TGCTCGCTCCCCTCAGGCAGTTTGTACACTTGGCCGTCCATGCAGAGAACTTCCGCTCGG[A>C]GATCGTCAGCGTGAGGGAGATGAGAGACATCTGGTCCTGGGTCCCCGAGCGCTTTGCCCT-3'
Protein context (NP_001186036.1, residues 333-353): LAVHAENFRS[Glu343Ala]IVSVREMRDI